The following is an entry in ClinVar:

NM_015330.6(SPECC1L):c.3329C>T (p.Ala1110Val)

Genes: SPECC1L (sperm antigen with calponin homology and coiled-coil domains 1 like; plus strand), SPECC1L-ADORA2A (SPECC1L-ADORA2A readthrough (NMD candidate); plus strand). Cytogenetic location: 22q11.23.
Variant type: single nucleotide variant.
Coding change: c.3329C>T on transcript NM_015330.6 (MANE Select); coding-DNA position 3329, C replaced by T.
Protein change: p.Ala1110Val; replaces alanine 1110 with valine.
Molecular consequence: missense variant. On other transcripts: non-coding transcript variant (1).
Genome position (GRCh38, 1-based): chr22:24,414,598, C>T. VCF-style: chr22-24414598-C-T. GRCh37 (hg19) VCF-style: chr22-24810566-C-T.
Other names: c.3329C>T, p.Ala1110Val (NM_001145468.4); c.3212C>T, p.Ala1071Val (NM_001254732.3); c.527C>T, p.Ala176Val (NM_001254733.2); short protein forms A1071V, A1110V, A176V.
Identifiers: ClinVar variation 3681787 (VCV003681787.2).

ClinVar aggregate classification (germline): Uncertain significance (1 of 4 stars; one submission).

gnomAD v4.1: 12 of 1,613,824 alleles (0.00074%); highest among the groups gnomAD compares: Admixed American, 0.0033%; no homozygotes.

Submission:

Labcorp Genetics (formerly Invitae), Labcorp
Classification: Uncertain significance. Last evaluated: 2024-05-09. Review status: criteria provided, single submitter. Criteria: Invitae Variant Classification Sherloc (09022015). Collection method: clinical testing. Allele origin: germline.
Comment: This sequence change replaces alanine, which is neutral and non-polar, with valine, which is neutral and non-polar, at codon 1110 of the SPECC1L protein (p.Ala1110Val). This variant is present in population databases (rs139596492, gnomAD 0.006%). This variant has not been reported in the literature in individuals affected with SPECC1L-related conditions. An algorithm developed to predict the effect of missense changes on protein structure and function (PolyPhen-2) suggests that this variant is likely to be disruptive. In summary, the available evidence is currently insufficient to determine the role of this variant in disease. Therefore, it has been classified as a Variant of Uncertain Significance.